The following is an entry in ClinVar:

ClinVar aggregate classification (germline): Pathogenic. Review status: reviewed by expert panel (3 of 4 stars). 3 submissions from 3 submitters: Pathogenic (1). 2 of the submissions do not count toward it. Last evaluated 2016-10-18.

Conditions:
Breast-ovarian cancer, familial, susceptibility to, 1 (BROVCA1). Also called: BRCA1 Hereditary Breast and Ovarian Cancer; OVARIAN CANCER, SUSCEPTIBILITY TO. Identifiers: Orphanet 145, MedGen C2676676, MONDO:0011450, OMIM 604370. Disease mechanism: loss of function.

Submissions (3):

Evidence-based Network for the Interpretation of Germline Mutant Alleles (ENIGMA)
Classification: Pathogenic for Breast-ovarian cancer, familial, susceptibility to, 1. Last evaluated: 2016-10-18. Review status: reviewed by expert panel. Criteria: ENIGMA BRCA1/2 Classification Criteria (2015). Collection method: curation. Allele origin: germline.
Comment: Variant allele predicted to encode a truncated non-functional protein.

All of Us Research Program, National Institutes of Health
Classification: Pathogenic for Breast-ovarian cancer, familial, susceptibility to, 1. Last evaluated: 2023-10-02. Review status: criteria provided, single submitter. Criteria: ACMG Guidelines, 2015. Collection method: clinical testing. Allele origin: germline. Inheritance: Autosomal dominant inheritance. Observed: 1 variant allele, 1 heterozygote. Not counted in ClinVar's aggregate classification.
Comment: This variant substitutes 3 nucleotides GAG with 2 nucleotides AA in exon 10 of the BRCA1 gene, creating a premature termination codon and is expected to result in an absent or non-functional protein product. This variant is expected to result in an absent or non-functional protein product. This variant has been reported in at least two individuals affected with breast cancer (PMID: 33573335) and has been identified in one family among the CIMBA participants (PMID: 29446198). This variant has not been identified in the general population by the Genome Aggregation Database (gnomAD). Loss of BRCA1 function is a known mechanism of disease. Based on the available evidence, this variant is classified as Pathogenic.

This study involves interpretation of variants in research participants for the purpose of population health screening. Participant phenotype was not available at the time of variant classification. Additional details can be found in publication PMID: 35346344, PMCID: PMC8962531

Consortium of Investigators of Modifiers of BRCA1/2 (CIMBA), c/o University of Cambridge
Classification: Pathogenic for Breast-ovarian cancer, familial, susceptibility to, 1. Last evaluated: 2015-10-02. Review status: criteria provided, single submitter. Criteria: CIMBA Mutation Classification guidelines May 2016. Collection method: clinical testing. Allele origin: germline. Not counted in ClinVar's aggregate classification.

Literature cited by the submitters: PubMed 29446198 (cited by All of Us Research Program, National Institutes of Health); PubMed 33573335 (cited by All of Us Research Program, National Institutes of Health).

NM_007294.4(BRCA1):c.3972_3974delinsAA (p.Met1324fs)

Genes: BRCA1 (BRCA1 DNA repair associated; minus strand), LOC126862571 (BRD4-independent group 4 enhancer GRCh37_chr17:41243136-41244335; plus strand). Cytogenetic location: 17q21.31.
Variant type: Indel.
Coding change: c.3972_3974delinsAA on transcript NM_007294.4 (MANE Select); coding-DNA positions 3972 to 3974, GAG replaced by AA.
Protein change: p.Met1324fs; shifts the reading frame from methionine 1324.
Molecular consequence: frameshift variant. On other transcripts: intron variant (135).
Genome position (GRCh38, 1-based): chr17:43,091,557-43,091,559, CTC replaced by TT on the plus strand (GAG replaced by AA on the coding strand, the reverse complement: BRCA1 is on the minus strand). VCF-style: chr17-43091557-CTC-TT. GRCh37 (hg19) VCF-style: chr17-41243574-CTC-TT.
Other names: 4091delGAGinsAA; c.3759_3761delinsAA, p.Met1253fs (NM_001407571.1, NM_001407853.1, NM_001407894.1 and 9 more transcripts); c.3972_3974delinsAA, p.Met1324fs (NM_001407581.1, NM_001407582.1, NM_001407583.1 and 30 more transcripts); c.3969_3971delinsAA, p.Met1323fs (NM_001407587.1, NM_001407590.1, NM_001407591.1 and 22 more transcripts); c.3963_3965delinsAA, p.Met1321fs (NM_001407646.1, NM_001407647.1); c.3849_3851delinsAA, p.Met1283fs (NM_001407648.1, NM_001407664.1, NM_001407665.1 and 19 more transcripts); c.3846_3848delinsAA, p.Met1282fs (NM_001407649.1, NM_001407670.1, NM_001407671.1 and 11 more transcripts); c.3894_3896delinsAA, p.Met1298fs (NM_001407653.1, NM_001407654.1, NM_001407655.1 and 4 more transcripts); and 42 more; short protein forms M1277fs, M1324fs, M1156fs, M1254fs, M1283fs, M456fs, M1196fs, M1213fs.
Identifiers: ClinVar variation 266424 (VCV000266424.7), dbSNP rs886040182, ClinGen allele CA10589707.